The following is an entry in ClinVar:

ClinVar aggregate classification (germline): Pathogenic/Likely pathogenic. Review status: criteria provided, multiple submitters, no conflicts (2 of 4 stars). 2 submissions from 2 submitters: Pathogenic (1); Likely pathogenic (1). Last evaluated 2025-10-08.

Conditions:
Tuberous sclerosis 2 (TSC2). Identifiers: Orphanet 805, MedGen C1860707, MONDO:0013199, OMIM 613254.

Submissions (2):

Labcorp Genetics (formerly Invitae), Labcorp
Classification: Pathogenic for Tuberous sclerosis 2. Last evaluated: 2025-10-08. Review status: criteria provided, single submitter. Criteria: Invitae Variant Classification Sherloc (09022015). Collection method: clinical testing. Allele origin: germline.
Comment: This sequence change falls in intron 2 of the TSC2 gene. It does not directly change the encoded amino acid sequence of the TSC2 protein. It affects a nucleotide within the consensus splice site. This variant is not present in population databases (gnomAD no frequency). This variant has been observed in individual(s) with tuberous sclerosis complex (internal data). In at least one individual the variant was observed to be de novo. ClinVar contains an entry for this variant (Variation ID: 1069935). Variants that disrupt the consensus splice site are a relatively common cause of aberrant splicing (PMID: 17576681, 9536098). Algorithms developed to predict the effect of sequence changes on RNA splicing suggest that this variant may disrupt the consensus splice site. This variant disrupts the c.138+5G nucleotide in the TSC2 gene. Other variant(s) that disrupt this nucleotide have been determined to be pathogenic (PMID: 11112665). This suggests that this nucleotide is clinically significant, and that variants that disrupt this position are likely to be disease-causing. For these reasons, this variant has been classified as Pathogenic.

Juno Genomics, Hangzhou Juno Genomics, Inc
Classification: Likely pathogenic for Tuberous sclerosis 2. Review status: criteria provided, single submitter. Criteria: ACMG Guidelines, 2015. Collection method: clinical testing. Allele origin: germline. Affected: yes.
Comment: Absent from controls (or at extremely low frequency if recessive) in Genome Aggregation Database.;Multiple lines of computational evidence support a deleterious effect on the gene or gene product.;Co-segregation with disease in multiple affected family members.;Patient's phenotype or family history is highly specific for a disease with a single genetic etiology.;Same amino acid change as a previously established pathogenic variant regardless of nucleotide change.

Literature cited by the submitters: PubMed 17576681 (cited by Labcorp Genetics (formerly Invitae), Labcorp); PubMed 9536098 (cited by Labcorp Genetics (formerly Invitae), Labcorp); PubMed 11112665 (cited by Labcorp Genetics (formerly Invitae), Labcorp).

NM_000548.5(TSC2):c.138+5G>C

Gene: TSC2 (TSC complex subunit 2; plus strand). Cytogenetic location: 16p13.3.
Variant type: single nucleotide variant.
Coding change: c.138+5G>C on transcript NM_000548.5 (MANE Select); 5 bases into the intron after coding-DNA position 138, G replaced by C.
Molecular consequence: intron variant.
Genome position (GRCh38, 1-based): chr16:2,048,758, G>C. VCF-style: chr16-2048758-G-C. GRCh37 (hg19) VCF-style: chr16-2098759-G-C.
Other names: c.138+5G>C (NM_001114382.3, NM_021055.3, NM_001370405.1 and 4 more transcripts); c.-89+5G>C (NM_001318831.2); c.-10+693G>C (NM_001318829.2); c.171+5G>C (NM_001318832.2).
Identifiers: ClinVar variation 1069935 (VCV001069935.10), dbSNP rs45481400, ClinGen allele CA2499223267.